The following is an entry in ClinVar:

ClinVar aggregate classification (germline): Likely pathogenic (1 of 4 stars; one submission).

Submission:

CeGaT Center for Human Genetics Tuebingen
Classification: Likely pathogenic. Last evaluated: 2023-03-01. Review status: criteria provided, single submitter. Criteria: CeGaT Center For Human Genetics Tuebingen Variant Classification Criteria Version 2. Collection method: clinical testing. Allele origin: germline. Affected: yes. Observed: 1 variant allele.
Comment: KMT5B: PS2, PM2, PP3, PP4

NM_017635.5(KMT5B):c.625G>A (p.Gly209Arg)

Gene: KMT5B (lysine methyltransferase 5B; minus strand). Cytogenetic location: 11q13.2.
Variant type: single nucleotide variant.
Coding change: c.625G>A on transcript NM_017635.5 (MANE Select); coding-DNA position 625, G replaced by A.
Protein change: p.Gly209Arg; replaces glycine 209 with arginine.
Molecular consequence: missense variant. On other transcripts: non-coding transcript variant (3), 5 prime UTR variant (1).
Genome position (GRCh38, 1-based): chr11:68,173,832, C>T on the plus strand (G>A on the coding strand, the complement: KMT5B is on the minus strand). VCF-style: chr11-68173832-C-T. GRCh37 (hg19) VCF-style: chr11-67941299-C-T.
Other names: c.556G>A, p.Gly186Arg (NM_001300909.2); c.625G>A, p.Gly209Arg (NM_001363566.2, NM_001369426.1, NM_001369427.1 and 1 more transcripts); c.109G>A, p.Gly37Arg (NM_001369424.1, NM_001369428.1, NM_001369429.1 and 5 more transcripts); c.412G>A, p.Gly138Arg (NM_001369425.1); c.-43G>A (NM_001300908.2); short protein forms G138R, G186R, G209R, G37R.
Identifiers: ClinVar variation 2498523 (VCV002498523.28), dbSNP rs2495347764, ClinGen allele CA381605575.
Genomic context (GRCh38, chr11:68,173,832, plus strand): 5'-AAATTAAAGGCTTATACTAGTAGAATAGTTACCACTCTTTTGTTGCAACTATTTTGGCTC[C>T]ATTTTGTTCTGATGAGTATCTATTACATGGCAATATTTCAAATCCACTGTCAGTTGCAAA-3'
Protein context (NP_060105.3, residues 199-219): PCNRYSSEQN[Gly209Arg]AKIVATKEWK